The following is an entry in ClinVar:

ClinVar aggregate classification (germline): Uncertain significance (1 of 4 stars; one submission).

Conditions:
FGFR3-related chondrodysplasia. Identifiers: Orphanet 93420, MedGen C5681604, MONDO:0019685.

gnomAD v4.1: 10 of 1,613,678 alleles (0.00062%); highest among the groups gnomAD compares: South Asian, 0.0033%; no homozygotes.

Submission:

Genomenon, Inc
Classification: Uncertain significance for FGFR3-related chondrodysplasia. Last evaluated: 2026-06-23. Review status: criteria provided, single submitter. Criteria: Genomenon Sequence Variant Interpretation Standards - Updated. Collection method: curation. Allele origin: germline. Affected: no.
Comment: FGFR3 p.Asp318Asn (c.952G>A) is a missense variant that changes the amino acid at codon 318 from Aspartic acid to Asparagine. This variant has been reported in the published literature (PMID:38411226;35210354). It is absent or not present at a significant frequency in gnomAD. In conclusion, we classify FGFR3 p.Asp318Asn (c.952G>A) as a variant of uncertain significance.

Literature cited by the submitters: PubMed 38411226; PubMed 35210354.

NM_000142.5(FGFR3):c.952G>A (p.Asp318Asn)

Gene: FGFR3 (fibroblast growth factor receptor 3; plus strand). Cytogenetic location: 4p16.3.
Variant type: single nucleotide variant.
Coding change: c.952G>A on transcript NM_000142.5 (MANE Select); coding-DNA position 952, G replaced by A.
Protein change: p.Asp318Asn; replaces aspartic acid 318 with asparagine.
Molecular consequence: missense variant. On other transcripts: non-coding transcript variant (1), intron variant (2).
Genome position (GRCh38, 1-based): chr4:1,803,713, G>A. VCF-style: chr4-1803713-G-A. GRCh37 (hg19) VCF-style: chr4-1805440-G-A.
Other names: c.952G>A, p.Asp318Asn (NM_001354809.2, NM_001354810.2); c.1082-617G>A (NM_001163213.2); c.931-1111G>A (NM_022965.4); short protein forms D318N.
Identifiers: ClinVar variation 4857837 (VCV004857837.1).